The following is an entry in ClinVar:

NM_000283.4(PDE6B):c.1538A>C (p.Glu513Ala)

Gene: PDE6B (phosphodiesterase 6B; plus strand). Cytogenetic location: 4p16.3.
Variant type: single nucleotide variant.
Coding change: c.1538A>C on transcript NM_000283.4 (MANE Select); coding-DNA position 1538, A replaced by C.
Protein change: p.Glu513Ala; replaces glutamic acid 513 with alanine.
Molecular consequence: missense variant.
Genome position (GRCh38, 1-based): chr4:660,537, A>C. VCF-style: chr4-660537-A-C. GRCh37 (hg19) VCF-style: chr4-654326-A-C.
Other names: c.1538A>C, p.Glu513Ala (NM_001145291.2); c.701A>C, p.Glu234Ala (NM_001145292.2, NM_001350154.3, NM_001379246.1 and 1 more transcripts); c.383A>C, p.Glu128Ala (NM_001350155.3); short protein forms E234A, E513A, E128A.
Identifiers: ClinVar variation 1460532 (VCV001460532.6), dbSNP rs1307178553, ClinGen allele CA355916093.

ClinVar aggregate classification (germline): Uncertain significance (1 of 4 stars; one submission).

Allele frequency attached by ClinVar (database versions not stated): gnomAD exomes below 0.00001.
gnomAD v4.1: 1 of 1,613,820 alleles (0.000062%); highest among the groups gnomAD compares: Admixed American, 0.0017%; no homozygotes.

Submission:

Labcorp Genetics (formerly Invitae), Labcorp
Classification: Uncertain significance. Last evaluated: 2025-02-03. Review status: criteria provided, single submitter. Criteria: Invitae Variant Classification Sherloc (09022015). Collection method: clinical testing. Allele origin: germline.
Comment: This sequence change replaces glutamic acid, which is acidic and polar, with alanine, which is neutral and non-polar, at codon 513 of the PDE6B protein (p.Glu513Ala). This variant is present in population databases (no rsID available, gnomAD 0.003%). This variant has not been reported in the literature in individuals affected with PDE6B-related conditions. ClinVar contains an entry for this variant (Variation ID: 1460532). Invitae Evidence Modeling of protein sequence and biophysical properties (such as structural, functional, and spatial information, amino acid conservation, physicochemical variation, residue mobility, and thermodynamic stability) has been performed for this missense variant. However, the output from this modeling did not meet the statistical confidence thresholds required to predict the impact of this variant on PDE6B protein function. In summary, the available evidence is currently insufficient to determine the role of this variant in disease. Therefore, it has been classified as a Variant of Uncertain Significance.